The following is an entry in ClinVar:

NM_058216.3(RAD51C):c.145+1G>A

Gene: RAD51C (RAD51 paralog C; plus strand). Cytogenetic location: 17q22.
Variant type: single nucleotide variant.
Coding change: c.145+1G>A on transcript NM_058216.3 (MANE Select); the canonical splice donor site of the intron after coding-DNA position 145, G replaced by A.
Molecular consequence: splice donor variant.
Genome position (GRCh38, 1-based): chr17:58,692,789, G>A. VCF-style: chr17-58692789-G-A. GRCh37 (hg19) VCF-style: chr17-56770150-G-A.
Other names: c.145+1G>A (NM_002876.4).
Identifiers: ClinVar variation 484741 (VCV000484741.13), dbSNP rs757128712, ClinGen allele CA8677153.

ClinVar aggregate classification (germline): Pathogenic/Likely pathogenic. Review status: criteria provided, multiple submitters, no conflicts (2 of 4 stars). 5 submissions from 5 submitters: Pathogenic (1); Likely pathogenic (4). Last evaluated 2024-08-28.

Conditions:
Fanconi anemia complementation group O. Also called: RAD51C-Related Fanconi Anemia. Identifiers: Orphanet 84, MedGen C3150653, MONDO:0013248, OMIM 613390.
Hereditary cancer-predisposing syndrome. Also called: Hereditary neoplastic syndrome; Neoplastic Syndromes, Hereditary; Tumor predisposition; Hereditary Cancer Syndrome. Identifiers: Orphanet 140162, MedGen C0027672, MeSH D009386, MONDO:0015356.
Breast-ovarian cancer, familial, susceptibility to, 3. Also called: RAD51C-Related Breast/Ovarian Cancer. Identifiers: Orphanet 145, MedGen C3150659, MONDO:0013253, OMIM 613399.

Allele frequency attached by ClinVar (database versions not stated): gnomAD exomes below 0.00001; ExAC 0.00001.
gnomAD v4.1: 1 of 1,614,194 alleles (0.000062%); highest among the groups gnomAD compares: East Asian, 0.0022%; no homozygotes.

Submissions (5):

Ambry Genetics
Classification: Likely pathogenic for Hereditary cancer-predisposing syndrome. Last evaluated: 2024-08-28. Review status: criteria provided, single submitter. Criteria: Ambry Variant Classification Scheme 2023. Collection method: clinical testing. Allele origin: germline.
Comment: The c.145+1G>A intronic variant results from a G to A substitution one nucleotide after coding exon 1 of the RAD51C gene. A similar alteration at this position, c.145+1G>T, was identified in 1/480 German families with both breast and ovarian cancer, and was not observed in 620 breast cancer only families or 2912 healthy controls; RT-PCR analysis confirmed that this alteration disrupts splicing and results in an aberrant transcript, and the authors identified loss of the wild-type allele in tumor cells from an individual with this alteration (Meindl A et al. Nat. Genet., 2010 May;42:410-4). This nucleotide position is highly conserved in available vertebrate species. In silico splice site analysis predicts that this alteration will weaken the native splice donor site. Alterations that disrupt the canonical splice site are expected to cause aberrant splicing, resulting in an abnormal protein or a transcript that is subject to nonsense-mediated mRNA decay. As such, this alteration is classified as likely pathogenic.

Myriad Genetics, Inc.
Classification: Likely pathogenic for Breast-ovarian cancer, familial, susceptibility to, 3. Last evaluated: 2024-01-02. Review status: criteria provided, single submitter. Criteria: Myriad Autosomal Dominant, Autosomal Recessive and X-Linked Classification Criteria (2023). Collection method: clinical testing. Allele origin: unknown.
Comment: This variant is considered likely pathogenic. This variant occurs within a consensus splice junction and is predicted to result in abnormal mRNA splicing of either an out-of-frame exon or an in-frame exon necessary for protein stability and/or normal function.

Labcorp Genetics (formerly Invitae), Labcorp
Classification: Pathogenic for Fanconi anemia complementation group O. Last evaluated: 2023-07-09. Review status: criteria provided, single submitter. Criteria: Invitae Variant Classification Sherloc (09022015). Collection method: clinical testing. Allele origin: germline.
Comment: For these reasons, this variant has been classified as Pathogenic. Studies have shown that disruption of this splice site alters mRNA splicing and is expected to lead to the loss of protein expression (PMID: 20400964; Invitae). ClinVar contains an entry for this variant (Variation ID: 484741). Disruption of this splice site has been observed in individual(s) with breast cancer and/or ovarian cancer (PMID: 20400964). This variant is present in population databases (rs757128712, gnomAD 0.006%). This sequence change affects a donor splice site in intron 1 of the RAD51C gene. RNA analysis indicates that disruption of this splice site induces altered splicing and may result in an absent or disrupted protein product.

Baylor Genetics
Classification: Likely pathogenic for Breast-ovarian cancer, familial, susceptibility to, 3. Last evaluated: 2021-10-27. Review status: criteria provided, single submitter. Criteria: ACMG Guidelines, 2015. Collection method: clinical testing. Allele origin: unknown.

Color Diagnostics, LLC DBA Color Health
Classification: Likely pathogenic for Hereditary cancer-predisposing syndrome. Last evaluated: 2020-01-16. Review status: criteria provided, single submitter. Criteria: ACMG Guidelines, 2015. Collection method: clinical testing. Allele origin: germline.
Comment: This variant causes a G>A nucleotide substitution at the +1 position of intron 1 of the RAD51C gene. Splice site prediction tools predict that this variant may have a significant impact on RNA splicing. To our knowledge, functional studies have not been performed for this variant. This variant has not been reported in individuals affected with hereditary cancer in the literature. This variant has been identified in 1/251282 chromosomes in the general population by the Genome Aggregation Database (gnomAD). Loss of RAD51C function is a known mechanism of disease. Based on the available evidence, this variant is classified as Likely Pathogenic.

Literature cited by the submitters: PubMed 20400964 (cited by Ambry Genetics and Labcorp Genetics (formerly Invitae), Labcorp).